The following is an entry in ClinVar:

ClinVar aggregate classification (germline): Uncertain significance. Review status: criteria provided, multiple submitters, no conflicts (2 of 4 stars). 2 submissions from 2 submitters: Uncertain significance (2). Last evaluated 2024-10-18.

Conditions:
Renal cell carcinoma. Identifiers: Orphanet 217071, MedGen C0007134, MeSH D002292, MONDO:0005086, HP:0005584.
Hereditary cancer-predisposing syndrome. Also called: Tumor predisposition; Hereditary neoplastic syndrome; Hereditary Cancer Syndrome; Neoplastic Syndromes, Hereditary. Identifiers: Orphanet 140162, MedGen C0027672, MeSH D009386, MONDO:0015356.

Allele frequency attached by ClinVar (database versions not stated): gnomAD exomes below 0.00001; TOPMed below 0.00001; gnomAD 0.00001.
gnomAD v4.1: 3 of 1,614,070 alleles (0.00019%); highest among the groups gnomAD compares: East Asian, 0.0022%; no homozygotes.

Submissions (2):

Ambry Genetics
Classification: Uncertain significance for Hereditary cancer-predisposing syndrome. Last evaluated: 2024-10-18. Review status: criteria provided, single submitter. Criteria: Ambry Variant Classification Scheme 2023. Collection method: clinical testing. Allele origin: germline.
Comment: The p.Y1331H variant (also known as c.3991T>C), located in coding exon 20 of the MET gene, results from a T to C substitution at nucleotide position 3991. The tyrosine at codon 1331 is replaced by histidine, an amino acid with similar properties. This amino acid position is conserved. In addition, this alteration is predicted to be deleterious by in silico analysis. Based on the available evidence, the clinical significance of this variant remains unclear.

Labcorp Genetics (formerly Invitae), Labcorp
Classification: Uncertain significance for Renal cell carcinoma. Last evaluated: 2022-05-21. Review status: criteria provided, single submitter. Criteria: Invitae Variant Classification Sherloc (09022015). Collection method: clinical testing. Allele origin: germline.
Comment: This sequence change replaces tyrosine, which is neutral and polar, with histidine, which is basic and polar, at codon 1331 of the MET protein (p.Tyr1331His). This variant is not present in population databases (gnomAD no frequency). This variant has not been reported in the literature in individuals affected with MET-related conditions. Algorithms developed to predict the effect of missense changes on protein structure and function (SIFT, PolyPhen-2, Align-GVGD) all suggest that this variant is likely to be disruptive. In summary, the available evidence is currently insufficient to determine the role of this variant in disease. Therefore, it has been classified as a Variant of Uncertain Significance.

NM_000245.4(MET):c.3937T>C (p.Tyr1313His)

Gene: MET (MET proto-oncogene, receptor tyrosine kinase; plus strand). Cytogenetic location: 7q31.2.
Variant type: single nucleotide variant.
Coding change: c.3937T>C on transcript NM_000245.4 (MANE Select); coding-DNA position 3937, T replaced by C.
Protein change: p.Tyr1313His; replaces tyrosine 1313 with histidine.
Molecular consequence: missense variant.
Genome position (GRCh38, 1-based): chr7:116,795,888, T>C. VCF-style: chr7-116795888-T-C. GRCh37 (hg19) VCF-style: chr7-116435942-T-C.
Other names: c.3991T>C (NM_001127500.1); c.3991T>C, p.Tyr1331His (NM_001127500.3); c.2647T>C, p.Tyr883His (NM_001324402.2); short protein forms Y1331H, Y883H, Y1313H.
Identifiers: ClinVar variation 1463280 (VCV001463280.4), dbSNP rs1290917552, ClinGen allele CA369118041.
Genomic context (GRCh38, chr7:116,795,888, plus strand): 5'-TTTACAGAAATGCCTGCCTTCAAAGGGTCTCTTACAGCATGTCTTTCTTTTTGGAACAGA[T>C]ATGAAGTAATGCTAAAATGCTGGCACCCTAAAGCCGAAATGCGCCCATCCTTTTCTGAAC-3'
Protein context (NP_000236.2, residues 1303-1323): LQPEYCPDPL[Tyr1313His]EVMLKCWHPK